The following is an entry in ClinVar:

NM_001367561.1(DOCK7):c.5208A>T (p.Val1736=)

Gene: DOCK7 (dedicator of cytokinesis 7; minus strand). Cytogenetic location: 1p31.3.
Variant type: single nucleotide variant.
Coding change: c.5208A>T on transcript NM_001367561.1 (MANE Select); coding-DNA position 5208, A replaced by T.
Protein change: p.Val1736=; no amino-acid change (valine 1736 retained).
Molecular consequence: synonymous variant.
Genome position (GRCh38, 1-based): chr1:62,494,284, T>A on the plus strand (A>T on the coding strand, the complement: DOCK7 is on the minus strand). VCF-style: chr1-62494284-T-A. GRCh37 (hg19) VCF-style: chr1-62959955-T-A.
Other names: c.5181A>T, p.Val1727= (NM_001271999.2, NM_001330614.2); c.5088A>T, p.Val1696= (NM_001272000.2, NM_001272001.2); c.5115A>T, p.Val1705= (NM_033407.4).
Identifiers: ClinVar variation 475159 (VCV000475159.52), dbSNP rs144604663, ClinGen allele CA885529.

ClinVar aggregate classification (germline): Likely benign. Review status: criteria provided, multiple submitters, no conflicts (2 of 4 stars). 3 submissions from 3 submitters: Likely benign (3). Last evaluated 2025-10-29.

Conditions:
Developmental and epileptic encephalopathy, 23 (DEE23). Also called: Epileptic encephalopathy, early infantile, 23. Identifiers: Orphanet 411986, MedGen C4014492, MONDO:0014371, OMIM 615859.

Allele frequency attached by ClinVar (database versions not stated): TOPMed 0.00013; gnomAD 0.00016; gnomAD exomes 0.00026; ESP Exome Variant Server 0.00038.
gnomAD v4.1: 394 of 1,585,036 alleles (0.025%); highest among the groups gnomAD compares: Non-Finnish European, 0.032%; no homozygotes.

Submissions (3):

Labcorp Genetics (formerly Invitae), Labcorp
Classification: Likely benign for Developmental and epileptic encephalopathy, 23. Last evaluated: 2025-10-29. Review status: criteria provided, single submitter. Criteria: Invitae Variant Classification Sherloc (09022015). Collection method: clinical testing. Allele origin: germline.

CeGaT Center for Human Genetics Tuebingen
Classification: Likely benign. Last evaluated: 2023-07-01. Review status: criteria provided, single submitter. Criteria: CeGaT Center For Human Genetics Tuebingen Variant Classification Criteria Version 2. Collection method: clinical testing. Allele origin: germline. Affected: yes. Observed: 2 variant alleles.
Comment: DOCK7: BP4, BP7

Genome-Nilou Lab
Classification: Likely benign for Developmental and epileptic encephalopathy, 23. Last evaluated: 2023-04-11. Review status: criteria provided, single submitter. Criteria: ACMG Guidelines, 2015. Collection method: clinical testing. Allele origin: germline. Affected: no.